The following is an entry in ClinVar:

ClinVar aggregate classification (germline): Uncertain significance (1 of 4 stars; one submission).

Conditions:
Congenital sideroblastic anemia-B-cell immunodeficiency-periodic fever-developmental delay syndrome. Also called: Sideroblastic anemia with B-cell immunodeficiency, periodic fevers, and developmental delay. Identifiers: Orphanet 369861, MedGen C4015172, MONDO:0014487, OMIM 616084.

Submission:

Labcorp Genetics (formerly Invitae), Labcorp
Classification: Uncertain significance for Congenital sideroblastic anemia-B-cell immunodeficiency-periodic fever-developmental delay syndrome. Last evaluated: 2022-07-02. Review status: criteria provided, single submitter. Criteria: Invitae Variant Classification Sherloc (09022015). Collection method: clinical testing. Allele origin: germline.
Comment: In summary, the available evidence is currently insufficient to determine the role of this variant in disease. Therefore, it has been classified as a Variant of Uncertain Significance. Algorithms developed to predict the effect of sequence changes on RNA splicing suggest that this variant may disrupt the consensus splice site. This sequence change replaces glutamic acid, which is acidic and polar, with glycine, which is neutral and non-polar, at codon 193 of the TRNT1 protein (p.Glu193Gly). This variant is not present in population databases (gnomAD no frequency). This variant has not been reported in the literature in individuals affected with TRNT1-related conditions. Algorithms developed to predict the effect of missense changes on protein structure and function are either unavailable or do not agree on the potential impact of this missense change (SIFT: "Deleterious"; PolyPhen-2: "Possibly Damaging"; Align-GVGD: "Class C15").

NM_182916.3(TRNT1):c.578A>G (p.Glu193Gly)

Gene: TRNT1 (tRNA nucleotidyl transferase 1; plus strand). Cytogenetic location: 3p26.2.
Variant type: single nucleotide variant.
Coding change: c.578A>G on transcript NM_182916.3 (MANE Select); coding-DNA position 578, A replaced by G.
Protein change: p.Glu193Gly; replaces glutamic acid 193 with glycine.
Molecular consequence: missense variant. On other transcripts: non-coding transcript variant (8).
Genome position (GRCh38, 1-based): chr3:3,144,680, A>G. VCF-style: chr3-3144680-A-G. GRCh37 (hg19) VCF-style: chr3-3186364-A-G.
Other names: c.578A>G, p.Glu193Gly (NM_001302946.2, NM_001367321.1, NM_001367322.1 and 1 more transcripts); short protein forms E193G.
Identifiers: ClinVar variation 2013281 (VCV002013281.4), dbSNP rs2471329053, ClinGen allele CA351445260.